The following is an entry in ClinVar:

NM_152906.7(TANGO2):c.679G>A (p.Val227Met)

Gene: TANGO2 (transport and golgi organization 2 homolog; plus strand). Cytogenetic location: 22q11.21.
Variant type: single nucleotide variant.
Coding change: c.679G>A on transcript NM_152906.7 (MANE Select); coding-DNA position 679, G replaced by A.
Protein change: p.Val227Met; replaces valine 227 with methionine.
Molecular consequence: missense variant. On other transcripts: 3 prime UTR variant (1), non-coding transcript variant (5), intron variant (1).
Genome position (GRCh38, 1-based): chr22:20,063,411, G>A. VCF-style: chr22-20063411-G-A. GRCh37 (hg19) VCF-style: chr22-20050934-G-A.
Other names: c.679G>A, p.Val227Met (NM_001283106.3, NM_001283116.3, NM_001322142.2); c.802G>A, p.Val268Met (NM_001283129.3, NM_001322141.2, NM_001322143.2); c.677G>A, p.Cys226Tyr (NM_001283148.3, NM_001283154.3); c.493G>A, p.Val165Met (NM_001283179.3, NM_001283186.3, NM_001322163.2 and 2 more transcripts); c.454G>A, p.Val152Met (NM_001283199.3); c.385G>A, p.Val129Met (NM_001283235.3, NM_001322150.2, NM_001322153.2 and 6 more transcripts); c.*15G>A (NM_001283248.3); c.800G>A, p.Cys267Tyr (NM_001322144.2); and 6 more; short protein forms V129M, V152M, V193M, C226Y, C267Y, V165M, C164Y, C192Y.
Identifiers: ClinVar variation 2083790 (VCV002083790.2), dbSNP rs765573865, ClinGen allele CA10106525.

ClinVar aggregate classification (germline): Uncertain significance. Review status: criteria provided, multiple submitters, no conflicts (2 of 4 stars). 2 submissions from 2 submitters: Uncertain significance (2). Last evaluated 2024-03-18.

Conditions:
Inborn genetic diseases. Identifiers: MedGen C0950123, MeSH D030342.

Allele frequency attached by ClinVar (database versions not stated): gnomAD 0.00001; TOPMed 0.00002.
gnomAD v4.1: 6 of 1,613,296 alleles (0.00037%); highest among the groups gnomAD compares: African/African-American, 0.0013%; no homozygotes.

Submissions (2):

Ambry Genetics
Classification: Uncertain significance for Inborn genetic diseases. Last evaluated: 2024-03-18. Review status: criteria provided, single submitter. Criteria: Ambry Variant Classification Scheme 2023. Collection method: clinical testing. Allele origin: germline.

Labcorp Genetics (formerly Invitae), Labcorp
Classification: Uncertain significance. Last evaluated: 2022-05-15. Review status: criteria provided, single submitter. Criteria: Invitae Variant Classification Sherloc (09022015). Collection method: clinical testing. Allele origin: germline.
Comment: This sequence change replaces valine, which is neutral and non-polar, with methionine, which is neutral and non-polar, at codon 227 of the TANGO2 protein (p.Val227Met). This variant is present in population databases (rs765573865, gnomAD 0.007%). This variant has not been reported in the literature in individuals affected with TANGO2-related conditions. Algorithms developed to predict the effect of missense changes on protein structure and function are either unavailable or do not agree on the potential impact of this missense change (SIFT: "Not Available"; PolyPhen-2: "Probably Damaging"; Align-GVGD: "Not Available"). In summary, the available evidence is currently insufficient to determine the role of this variant in disease. Therefore, it has been classified as a Variant of Uncertain Significance.